The following is an entry in ClinVar:

NM_016148.5(SHANK1):c.3989C>G (p.Thr1330Ser)

Gene: SHANK1 (SH3 and multiple ankyrin repeat domains 1; minus strand). Cytogenetic location: 19q13.33.
Variant type: single nucleotide variant.
Coding change: c.3989C>G on transcript NM_016148.5 (MANE Select); coding-DNA position 3989, C replaced by G.
Protein change: p.Thr1330Ser; replaces threonine 1330 with serine.
Molecular consequence: missense variant.
Genome position (GRCh38, 1-based): chr19:50,667,971, G>C on the plus strand (C>G on the coding strand, the complement: SHANK1 is on the minus strand). VCF-style: chr19-50667971-G-C. GRCh37 (hg19) VCF-style: chr19-51171228-G-C.
Other names: short protein forms T1330S.
Identifiers: ClinVar variation 3038661 (VCV003038661.2), dbSNP rs567830516, ClinGen allele CA9601235.

ClinVar aggregate classification (germline): Benign (0 of 4 stars; one submission).

Conditions:
SHANK1-related disorder. Also called: SHANK1-related condition.

Allele frequency attached by ClinVar (database versions not stated): ExAC 0.00067; 1000 Genomes Project 30x 0.00297; 1000 Genomes Project 0.00300; gnomAD 0.00437; TOPMed 0.00478.
gnomAD v4.1: 1,127 of 1,440,994 alleles (0.078%); highest among the groups gnomAD compares: African/African-American, 1.6%; 10 homozygotes.

Submission:

PreventionGenetics, part of Exact Sciences
Classification: Benign for SHANK1-related condition. Last evaluated: 2019-05-24. Review status: no assertion criteria provided. Collection method: clinical testing. Allele origin: germline.
Comment: This variant is classified as benign based on ACMG/AMP sequence variant interpretation guidelines (Richards et al. 2015 PMID: 25741868, with internal and published modifications).